The following is an entry in ClinVar:

NM_001389.5(DSCAM):c.3352A>G (p.Asn1118Asp)

Gene: DSCAM (DS cell adhesion molecule; minus strand). Cytogenetic location: 21q22.2.
Variant type: single nucleotide variant.
Coding change: c.3352A>G on transcript NM_001389.5 (MANE Select); coding-DNA position 3352, A replaced by G.
Protein change: p.Asn1118Asp; replaces asparagine 1118 with aspartic acid.
Molecular consequence: missense variant. On other transcripts: non-coding transcript variant (1).
Genome position (GRCh38, 1-based): chr21:40,142,612, T>C on the plus strand (A>G on the coding strand, the complement: DSCAM is on the minus strand). VCF-style: chr21-40142612-T-C. GRCh37 (hg19) VCF-style: chr21-41514539-T-C.
Other names: c.3352A>G, p.Asn1118Asp (NM_001271534.3); short protein forms N1118D.
Identifiers: ClinVar variation 4983242 (VCV004983242.1).

ClinVar aggregate classification (germline): Uncertain significance (1 of 4 stars; one submission).

Conditions:
DSCAM-related disorder. Also called: DSCAM-related condition.

Submission:

PreventionGenetics, part of Exact Sciences
Classification: Uncertain significance for DSCAM-related condition. Last evaluated: 2026-08-21. Review status: criteria provided, single submitter. Criteria: ACMG Guidelines, 2015. Collection method: clinical testing. Allele origin: germline.
Comment: The DSCAM c.3352A>G variant is predicted to result in the amino acid substitution p.Asn1118Asp. To our knowledge, this variant has not been reported in the literature or in a large population database (gnomAD), indicating this variant is rare. At this time, the clinical significance of this variant is uncertain due to the absence of conclusive functional and genetic evidence.